The following is an entry in ClinVar:

NM_000138.5(FBN1):c.6623A>G (p.Asn2208Ser)

Gene: FBN1 (fibrillin 1; minus strand). Cytogenetic location: 15q21.1.
Variant type: single nucleotide variant.
Coding change: c.6623A>G on transcript NM_000138.5 (MANE Select); coding-DNA position 6623, A replaced by G.
Protein change: p.Asn2208Ser; replaces asparagine 2208 with serine.
Molecular consequence: missense variant.
Genome position (GRCh38, 1-based): chr15:48,432,982, T>C on the plus strand (A>G on the coding strand, the complement: FBN1 is on the minus strand). VCF-style: chr15-48432982-T-C. GRCh37 (hg19) VCF-style: chr15-48725179-T-C.
Other names: short protein forms N2208S.
Identifiers: ClinVar variation 643925 (VCV000643925.35), dbSNP rs146063839, ClinGen allele CA057177.

ClinVar aggregate classification (germline): Conflicting classifications of pathogenicity. Review status: criteria provided, conflicting classifications (1 of 4 stars). 10 submissions from 10 submitters: Likely pathogenic (1); Uncertain significance (9). Last evaluated 2026-05-22.

Conditions:
Familial thoracic aortic aneurysm and aortic dissection (TAAD). Also called: Thoracic aortic aneurysms and dissections. Identifiers: Orphanet 91387, MedGen C4707243, MONDO:0019625.
Weill-Marchesani syndrome 2, dominant. Also called: Weill-Marchesani Syndrome, Autosomal Dominant; FBN1-Related Weill-Marchesani Syndrome. Identifiers: Orphanet 2084, MedGen C1869115, MONDO:0012013, OMIM 608328.
Progeroid and marfanoid aspect-lipodystrophy syndrome. Also called: Marfan lipodystrophy syndrome; MARFANOID-PROGEROID SYNDROME; MARFAN-PROGEROID-LIPODYSTROPHY SYNDROME; MARFANOID-PROGEROID-LIPODYSTROPHY SYNDROME. Identifiers: Orphanet 300382, MedGen C4310796, MONDO:0014831, OMIM 616914.
Stiff skin syndrome (SSKS). Identifiers: Orphanet 2833, MedGen C1861456, MONDO:0008492, OMIM 184900.
Acromicric dysplasia (ACMICD). Also called: Acromicric skeletal dysplasia. Identifiers: Orphanet 969, MedGen C0265287, MONDO:0007055, OMIM 102370.
Geleophysic dysplasia 2 (GPHYSD2). Identifiers: Orphanet 2623, MedGen C3280054, MONDO:0013612, OMIM 614185.
Ectopia lentis 1, isolated, autosomal dominant (ECTOL1). Identifiers: Orphanet 1885, MedGen C3541518, MONDO:0007514, OMIM 129600.
Marfan syndrome (MFS). Also called: FBN1-Related Marfan Syndrome; Marfan syndrome type 1; Marfan's syndrome; Marfan syndrome, classic; MARFAN SYNDROME, TYPE I. Identifiers: Orphanet 284963, Orphanet 558, MedGen C0024796, MONDO:0007947, OMIM 154700.
MASS syndrome (OCTD). Also called: MASS PHENOTYPE; OVERLAP CONNECTIVE TISSUE DISEASE. Identifiers: MedGen C1858556, MONDO:0011431, OMIM 604308.

Allele frequency attached by ClinVar (database versions not stated): ExAC 0.00002; TOPMed 0.00004; gnomAD exomes 0.00006 and 0.00003; gnomAD 0.00003.

Submissions (10):

Ambry Genetics
Classification: Uncertain significance for Familial thoracic aortic aneurysm and aortic dissection. Last evaluated: 2026-05-22. Review status: criteria provided, single submitter. Criteria: Ambry Variant Classification Scheme 2023. Collection method: clinical testing. Allele origin: germline.
Comment: The p.N2208S variant (also known as c.6623A>G), located in coding exon 54 of the FBN1 gene, results from an A to G substitution at nucleotide position 6623. The asparagine at codon 2208 is replaced by serine, an amino acid with highly similar properties. This variant was reported in individual(s) with features consistent Marfan syndrome (external communication; Ambry internal data). This amino acid position is highly conserved in available vertebrate species. In addition, the in silico prediction for this alteration is inconclusive. Based on the available evidence, the clinical significance of this variant remains unclear.

Women's Health and Genetics/Laboratory Corporation of America, LabCorp
Classification: Uncertain significance. Last evaluated: 2026-02-09. Review status: criteria provided, single submitter. Criteria: LabCorp Variant Classification Summary - May 2015. Collection method: clinical testing. Allele origin: germline.
Comment: Variant summary: FBN1 c.6623A>G (p.Asn2208Ser) results in a conservative amino acid change located in the EGF-like domain (IPR000742) of the encoded protein sequence. Algorithms developed to predict the effect of missense changes on protein structure and function are either unavailable or do not agree on the potential impact of this missense change. The variant allele was found at a frequency of 2.8e-05 in 250856 control chromosomes. The available data on variant occurrences in the general population are insufficient to allow any conclusion about variant significance. c.6623A>G has been observed in individual(s) affected with FBN1-related conditions (internal data). These data do not allow any conclusion about variant significance. To our knowledge, no experimental evidence demonstrating an impact on protein function has been reported. ClinVar contains an entry for this variant (Variation ID: 643925). Based on the evidence outlined above, the variant was classified as uncertain significance.

Labcorp Genetics (formerly Invitae), Labcorp
Classification: Likely pathogenic for Marfan syndrome; Familial thoracic aortic aneurysm and aortic dissection. Last evaluated: 2026-01-30. Review status: criteria provided, single submitter. Criteria: Invitae Variant Classification Sherloc (09022015). Collection method: clinical testing. Allele origin: germline.
Comment: This sequence change replaces asparagine, which is neutral and polar, with serine, which is neutral and polar, at codon 2208 of the FBN1 protein (p.Asn2208Ser). This variant is present in population databases (rs146063839, gnomAD 0.006%). This missense change has been observed in individuals with clinical features of FBN1-related conditions (internal data). ClinVar contains an entry for this variant (Variation ID: 643925). Invitae Evidence Modeling of protein sequence and biophysical properties (such as structural, functional, and spatial information, amino acid conservation, physicochemical variation, residue mobility, and thermodynamic stability) indicates that this missense variant is expected to disrupt FBN1 protein function with a positive predictive value of 95%. In summary, the currently available evidence indicates that the variant is pathogenic, but additional data are needed to prove that conclusively. Therefore, this variant has been classified as Likely Pathogenic.

Color Diagnostics, LLC DBA Color Health
Classification: Uncertain significance for Familial thoracic aortic aneurysm and aortic dissection. Last evaluated: 2025-11-04. Review status: criteria provided, single submitter. Criteria: ACMG Guidelines, 2015. Collection method: clinical testing. Allele origin: germline.
Comment: This missense variant replaces asparagine with serine at codon 2208 of the FBN1 protein. Computational prediction suggests that this variant may have deleterious impact on protein structure and function. To our knowledge, functional studies have not been reported for this variant. This variant has not been reported in individuals affected with FBN1-related disorders in the literature. This variant has been identified in 90/1613328 chromosomes in the general population by the Genome Aggregation Database (gnomAD). The available evidence is insufficient to determine the role of this variant in disease conclusively. Therefore, this variant is classified as a Variant of Uncertain Significance.

GeneDx
Classification: Uncertain significance. Last evaluated: 2025-05-07. Review status: criteria provided, single submitter. Criteria: GeneDx Variant Classification Process June 2021. Collection method: clinical testing. Allele origin: germline. Affected: yes.
Comment: Has not been previously published as pathogenic or benign to our knowledge; In silico analysis supports that this missense variant has a deleterious effect on protein structure/function; This variant is associated with the following publications: (PMID: 20591885)

Blueprint Genetics
Classification: Uncertain significance. Last evaluated: 2024-08-29. Review status: criteria provided, single submitter. Criteria: ACMG Guidelines, 2015. Collection method: clinical testing. Allele origin: germline.

All of Us Research Program, National Institutes of Health
Classification: Uncertain significance for Marfan syndrome. Last evaluated: 2024-01-11. Review status: criteria provided, single submitter. Criteria: ACMG Guidelines, 2015. Collection method: clinical testing. Allele origin: germline. Inheritance: Autosomal dominant inheritance. Observed: 13 variant alleles, 13 heterozygotes.
Comment: This missense variant replaces asparagine with serine at codon 2208 of the FBN1 protein. Computational prediction suggests that this variant may have deleterious impact on protein structure and function (internally defined REVEL score threshold >= 0.7, PMID: 27666373). To our knowledge, functional studies have not been reported for this variant. This variant has not been reported in individuals affected with cardiovascular disorders in the literature. This variant has been identified in 8/282250 chromosomes in the general population by the Genome Aggregation Database (gnomAD). The available evidence is insufficient to determine the role of this variant in disease conclusively. Therefore, this variant is classified as a Variant of Uncertain Significance.

This study involves interpretation of variants in research participants for the purpose of population health screening. Participant phenotype was not available at the time of variant classification. Additional details can be found in publication PMID: 35346344, PMCID: PMC8962531

Fulgent Genetics
Classification: Uncertain significance for Acromicric dysplasia; Ectopia lentis 1, isolated, autosomal dominant; Marfan syndrome; Stiff skin syndrome; MASS syndrome; Weill-Marchesani syndrome 2, dominant; Geleophysic dysplasia 2; Progeroid and marfanoid aspect-lipodystrophy syndrome. Last evaluated: 2022-02-17. Review status: criteria provided, single submitter. Criteria: ACMG Guidelines, 2015. Collection method: clinical testing. Allele origin: unknown.

Revvity Omics, Revvity
Classification: Uncertain significance. Last evaluated: 2020-08-27. Review status: criteria provided, single submitter. Criteria: ACMG Guidelines, 2015. Collection method: clinical testing. Allele origin: germline.

CHEO Genetics Diagnostic Laboratory, Children's Hospital of Eastern Ontario
Classification: Uncertain significance for Familial thoracic aortic aneurysm and aortic dissection. Last evaluated: 2017-12-01. Review status: criteria provided, single submitter. Criteria: ACMG Guidelines, 2015. Collection method: clinical testing. Allele origin: germline.